The following is an entry in ClinVar:

ClinVar aggregate classification (germline): Uncertain significance (1 of 4 stars; one submission).

Submission:

Ambry Genetics
Classification: Uncertain significance. Last evaluated: 2025-10-10. Review status: criteria provided, single submitter. Criteria: Ambry Variant Classification Scheme 2023. Collection method: clinical testing. Allele origin: germline.
Comment: The p.L145V variant (also known as c.433C>G), located in coding exon 4 of the RINT1 gene, results from a C to G substitution at nucleotide position 433. The leucine at codon 145 is replaced by valine, an amino acid with highly similar properties. This amino acid position is conserved. In addition, the in silico prediction for this alteration is inconclusive. Based on the available evidence, the clinical significance of this variant remains unclear.

NM_021930.6(RINT1):c.433C>G (p.Leu145Val)

Gene: RINT1 (RAD50 interactor 1; plus strand). Cytogenetic location: 7q22.3.
Variant type: single nucleotide variant.
Coding change: c.433C>G on transcript NM_021930.6 (MANE Select); coding-DNA position 433, C replaced by G.
Protein change: p.Leu145Val; replaces leucine 145 with valine.
Molecular consequence: missense variant. On other transcripts: 5 prime UTR variant (3), non-coding transcript variant (1).
Genome position (GRCh38, 1-based): chr7:105,542,567, C>G. VCF-style: chr7-105542567-C-G. GRCh37 (hg19) VCF-style: chr7-105183014-C-G.
Other names: c.199C>G, p.Leu67Val (NM_001346599.2); c.-587C>G (NM_001346600.2); c.-490C>G (NM_001346601.2); c.-110C>G (NM_001346603.2); short protein forms L145V, L67V.
Identifiers: ClinVar variation 4578216 (VCV004578216.1).